The following is an entry in ClinVar:

NM_015046.7(SETX):c.7371T>C (p.His2457=)

Gene: SETX (senataxin; minus strand). Cytogenetic location: 9q34.13.
Variant type: single nucleotide variant.
Coding change: c.7371T>C on transcript NM_015046.7 (MANE Select); coding-DNA position 7371, T replaced by C.
Protein change: p.His2457=; no amino-acid change (histidine 2457 retained).
Molecular consequence: synonymous variant.
Genome position (GRCh38, 1-based): chr9:132,264,902, A>G on the plus strand (T>C on the coding strand, the complement: SETX is on the minus strand). VCF-style: chr9-132264902-A-G. GRCh37 (hg19) VCF-style: chr9-135140289-A-G.
Other names: p.His2457=; c.7371T>C, p.His2457= (NM_001351527.2); c.7458T>C, p.His2486= (NM_001351528.2).
Identifiers: ClinVar variation 365344 (VCV000365344.27), dbSNP rs113071480, ClinGen allele CA5296400.

ClinVar aggregate classification (germline): Benign/Likely benign. Review status: criteria provided, multiple submitters, no conflicts (2 of 4 stars). 12 submissions from 10 submitters: Benign (6); Likely benign (6). Last evaluated 2025-12-15.

Conditions:
Inborn genetic diseases. Identifiers: MedGen C0950123, MeSH D030342.
SETX-related disorder. Also called: SETX-related condition; SETX-related disorders. Identifiers: MedGen CN239403.
Spinocerebellar ataxia, autosomal recessive, with axonal neuropathy 2 (SCAN2). Also called: Ataxia with Oculomotor Apraxia Type 2; ATAXIA-OCULOMOTOR APRAXIA 2; Ataxia-ocular apraxia-2; Ataxia with Oculomotor Apraxia. Identifiers: Orphanet 64753, MedGen C1853761, MONDO:0018996, OMIM 606002.
Amyotrophic lateral sclerosis type 4 (ALS4). Also called: AMYOTROPHIC LATERAL SCLEROSIS 4, JUVENILE; NEURONOPATHY, DISTAL HEREDITARY MOTOR, WITH PYRAMIDAL FEATURES. Identifiers: Orphanet 357043, MedGen C1865409, MONDO:0011223, OMIM 602433.
Hereditary spastic paraplegia. Also called: Familial spastic paraparesis. Identifiers: Orphanet 685, MedGen C0037773, MONDO:0019064. Disease mechanism: loss of function.

Allele frequency attached by ClinVar (database versions not stated): gnomAD exomes 0.00036 and 0.00089; ExAC 0.00101; gnomAD 0.00369 and 0.00399; ESP Exome Variant Server 0.00384; TOPMed 0.00414; 1000 Genomes Project 30x 0.00437; 1000 Genomes Project 0.00439.
gnomAD v4.1: 1,101 of 1,614,092 alleles (0.068%); highest among the groups gnomAD compares: African/African-American, 1.3%; 10 homozygotes.

Submissions (12):

Labcorp Genetics (formerly Invitae), Labcorp
Classification: Benign for Amyotrophic lateral sclerosis type 4; Spinocerebellar ataxia, autosomal recessive, with axonal neuropathy 2. Last evaluated: 2025-12-15. Review status: criteria provided, single submitter. Criteria: Invitae Variant Classification Sherloc (09022015). Collection method: clinical testing. Allele origin: germline.

PreventionGenetics, part of Exact Sciences
Classification: Benign for SETX-related condition. Last evaluated: 2025-07-01. Review status: criteria provided, single submitter. Criteria: ACMG Guidelines, 2015. Collection method: clinical testing. Allele origin: germline.
Comment: This variant is classified as benign based on ACMG/AMP sequence variant interpretation guidelines (Richards et al. 2015 PMID: 25741868, with internal and published modifications).

Mayo Clinic Laboratories, Mayo Clinic
Classification: Benign. Last evaluated: 2025-02-25. Review status: criteria provided, single submitter. Criteria: ACMG Guidelines, 2015. Collection method: clinical testing. Allele origin: germline. Observed: 5 variant alleles.
Comment: BS1, BS2, BP4, BP7

Blueprint Genetics
Classification: Likely benign. Last evaluated: 2024-09-18. Review status: criteria provided, single submitter. Criteria: ACMG Guidelines, 2015. Collection method: clinical testing. Allele origin: germline.

Genome-Nilou Lab
Classification: Likely benign for Spinocerebellar ataxia, autosomal recessive, with axonal neuropathy 2. Last evaluated: 2023-02-08. Review status: criteria provided, single submitter. Criteria: ACMG Guidelines, 2015. Collection method: clinical testing. Allele origin: germline.

Genome-Nilou Lab
Classification: Likely benign for Amyotrophic lateral sclerosis type 4. Last evaluated: 2023-02-08. Review status: criteria provided, single submitter. Criteria: ACMG Guidelines, 2015. Collection method: clinical testing. Allele origin: germline.

Genome Diagnostics Laboratory, The Hospital for Sick Children
Classification: Likely benign for Hereditary spastic paraplegia. Last evaluated: 2022-01-17. Review status: criteria provided, single submitter. Criteria: ACMG Guidelines, 2015. Collection method: clinical testing. Allele origin: germline. Affected: yes.

GeneDx
Classification: Likely benign. Last evaluated: 2021-01-30. Review status: criteria provided, single submitter. Criteria: GeneDx Variant Classification Process June 2021. Collection method: clinical testing. Allele origin: germline. Affected: yes.

Ambry Genetics
Classification: Likely benign for Inborn genetic diseases. Last evaluated: 2019-07-11. Review status: criteria provided, single submitter. Criteria: Ambry Variant Classification Scheme 2023. Collection method: clinical testing. Allele origin: germline.

Athena Diagnostics
Classification: Benign. Last evaluated: 2019-02-14. Review status: criteria provided, single submitter. Criteria: Athena Diagnostics Criteria. Collection method: clinical testing. Allele origin: germline.

Illumina Laboratory Services, Illumina
Classification: Benign for Amyotrophic lateral sclerosis type 4. Last evaluated: 2018-01-13. Review status: criteria provided, single submitter. Criteria: ICSL Variant Classification Criteria 13 December 2019. Collection method: clinical testing. Allele origin: germline.
Comment: This variant was observed in the ICSL laboratory as part of a predisposition screen in an ostensibly healthy population. It had not been previously curated by ICSL or reported in the Human Gene Mutation Database (HGMD: prior to June 1st, 2018), and was therefore a candidate for classification through an automated scoring system. Utilizing variant allele frequency, disease prevalence and penetrance estimates, and inheritance mode, an automated score was calculated to assess if this variant is too frequent to cause the disease. Based on the score and internal cut-off values, a variant classified as benign is not then subjected to further curation. The score for this variant resulted in a classification of benign for this disease.

Illumina Laboratory Services, Illumina
Classification: Benign for Spinocerebellar ataxia, autosomal recessive, with axonal neuropathy 2. Last evaluated: 2018-01-13. Review status: criteria provided, single submitter. Criteria: ICSL Variant Classification Criteria 13 December 2019. Collection method: clinical testing. Allele origin: germline.
Comment: the same text as in the submission from Illumina Laboratory Services, Illumina above.